The following is an entry in ClinVar:

ClinVar aggregate classification (germline): Uncertain significance (1 of 4 stars; one submission).

Allele frequency attached by ClinVar (database versions not stated): TOPMed 0.00001.

Submission:

Labcorp Genetics (formerly Invitae), Labcorp
Classification: Uncertain significance. Last evaluated: 2022-09-27. Review status: criteria provided, single submitter. Criteria: Invitae Variant Classification Sherloc (09022015). Collection method: clinical testing. Allele origin: germline.
Comment: In summary, the available evidence is currently insufficient to determine the role of this variant in disease. Therefore, it has been classified as a Variant of Uncertain Significance. Advanced modeling of protein sequence and biophysical properties (such as structural, functional, and spatial information, amino acid conservation, physicochemical variation, residue mobility, and thermodynamic stability) performed at Invitae indicates that this missense variant is not expected to disrupt ATP1A1 protein function. This variant has not been reported in the literature in individuals affected with ATP1A1-related conditions. This variant is not present in population databases (gnomAD no frequency). This sequence change replaces lysine, which is basic and polar, with glutamic acid, which is acidic and polar, at codon 526 of the ATP1A1 protein (p.Lys526Glu).

NM_000701.8(ATP1A1):c.1576A>G (p.Lys526Glu)

Genes: ATP1A1 (ATPase Na+/K+ transporting subunit alpha 1; plus strand), ATP1A1-AS1 (ATP1A1 antisense RNA 1; minus strand). Cytogenetic location: 1p13.1.
Variant type: single nucleotide variant.
Coding change: c.1576A>G on transcript NM_000701.8 (MANE Select); coding-DNA position 1576, A replaced by G.
Protein change: p.Lys526Glu; replaces lysine 526 with glutamic acid.
Molecular consequence: missense variant.
Genome position (GRCh38, 1-based): chr1:116,393,639, A>G. VCF-style: chr1-116393639-A-G. GRCh37 (hg19) VCF-style: chr1-116936261-A-G.
Other names: c.1576A>G, p.Lys526Glu (NM_001160233.2); c.1483A>G, p.Lys495Glu (NM_001160234.2); short protein forms K495E, K526E.
Identifiers: ClinVar variation 1720536 (VCV001720536.5), dbSNP rs1652654238, ClinGen allele CA341771119.
Genomic context (GRCh38, chr1:116,393,639, plus strand): 5'-GTGATGAAGGGCGCCCCAGAAAGGATCCTAGACCGTTGCAGCTCTATCCTCCTCCACGGC[A>G]AGGAGCAGCCCCTGGATGAGGAGCTGAAAGACGCCTTTCAGAACGCCTATTTGGAGCTGG-3'
Protein context (NP_000692.2, residues 516-536): DRCSSILLHG[Lys526Glu]EQPLDEELKD